The following is an entry in ClinVar:

NM_003000.3(SDHB):c.711_716del (p.Phe238_Ser239del)

Gene: SDHB (succinate dehydrogenase complex iron sulfur subunit B; minus strand). Cytogenetic location: 1p36.13.
Variant type: Deletion.
Coding change: c.711_716del on transcript NM_003000.3 (MANE Select); coding-DNA positions 711 to 716, 6 bases deleted (ATTCTC; older notation c.711_716delATTCTC).
Protein change: p.Phe238_Ser239del.
Molecular consequence: inframe indel (on NM_003000.2).
Genome position (GRCh38, 1-based): chr1:17,022,657-17,022,662, GAGAAT deleted on the plus strand (ATTCTC on the coding strand, the reverse complement: SDHB is on the minus strand); deleting any 6 consecutive bases within chr1:17,022,657-17,022,663 gives the same sequence; the c. name uses the placement nearest the transcript's 3' end. VCF-style (leftmost placement, unchanged base first): chr1-17022656-AGAGAAT-A. GRCh37 (hg19) VCF-style: chr1-17349151-AGAGAAT-A.
Other names: c.711_716delATTCTC (NM_003000.2); c.657_662del, p.Phe220_Ser221del (NM_001407361.1).
Identifiers: ClinVar variation 3438764 (VCV003438764.3).

ClinVar aggregate classification (germline): Uncertain significance. Review status: criteria provided, multiple submitters, no conflicts (2 of 4 stars). 2 submissions from 2 submitters: Uncertain significance (2). Last evaluated 2024-10-20.

Conditions:
Pheochromocytoma. Also called: MAX-Related Hereditary Paraganglioma-Pheochromocytoma Syndrome. Identifiers: Orphanet 29072, MedGen C0031511, MONDO:0008233, OMIM 171300, HP:0002666.
Pheochromocytoma/paraganglioma syndrome 4. Also called: CAROTID BODY TUMORS AND MULTIPLE EXTRAADRENAL PHEOCHROMOCYTOMAS; PARAGANGLIOMA, FAMILIAL MALIGNANT; PARAGANGLIOMAS, HEREDITARY EXTRAADRENAL; PHEOCHROMOCYTOMA, FAMILIAL EXTRAADRENAL; Paragangliomas 4; SDHB-Related Hereditary Paraganglioma-Pheochromocytoma Syndrome (Paragangliomas 4). Identifiers: Orphanet 29072, MedGen C1861848, MONDO:0007273, OMIM 115310.
Gastrointestinal stromal tumor. Also called: Gastrointestinal stromal tumor, somatic; Gastrointestinal stroma tumor. Identifiers: Orphanet 44890, MedGen C0238198, MeSH D046152, MONDO:0011719, OMIM 606764, HP:0100723.
Hereditary cancer-predisposing syndrome. Also called: Neoplastic Syndromes, Hereditary; Tumor predisposition; Hereditary Cancer Syndrome; Hereditary neoplastic syndrome. Identifiers: Orphanet 140162, MedGen C0027672, MeSH D009386, MONDO:0015356.

Submissions (2):

Labcorp Genetics (formerly Invitae), Labcorp
Classification: Uncertain significance for Gastrointestinal stromal tumor; Pheochromocytoma/paraganglioma syndrome 4; Pheochromocytoma. Last evaluated: 2024-10-20. Review status: criteria provided, single submitter. Criteria: Invitae Variant Classification Sherloc (09022015). Collection method: clinical testing. Allele origin: germline.
Comment: This variant, c.711_716del, results in the deletion of 2 amino acid(s) of the SDHB protein (p.Phe238_Ser239del), but otherwise preserves the integrity of the reading frame. This variant is not present in population databases (gnomAD no frequency). This variant has not been reported in the literature in individuals affected with SDHB-related conditions. This variant disrupts a region of the SDHB protein in which other variant(s) (p.Ser239Phe) have been observed in individuals with SDHB-related conditions (PMID: 18382370). This suggests that this is a clinically significant region of the protein, and that variants that disrupt it are likely to be disease-causing. In summary, the available evidence is currently insufficient to determine the role of this variant in disease. Therefore, it has been classified as a Variant of Uncertain Significance.

Ambry Genetics
Classification: Uncertain significance for Hereditary cancer-predisposing syndrome. Last evaluated: 2024-10-17. Review status: criteria provided, single submitter. Criteria: Ambry Variant Classification Scheme 2023. Collection method: clinical testing. Allele origin: germline.
Comment: The c.711_716delATTCTC variant (also known as p.F238_S239del) is located in coding exon 7 of the SDHB gene. This variant results from an in-frame ATTCTC deletion at nucleotide positions 711 to 716. This results in the in-frame deletion of two amino acids at codons 238 and 239. This amino acid region is highly conserved in available vertebrate species. In addition, this alteration is predicted to be deleterious by in silico analysis (Choi Y et al. PLoS ONE. 2012; 7(10):e46688). Based on the available evidence, the clinical significance of this variant remains unclear.

Literature cited by the submitters: PubMed 18382370 (cited by Labcorp Genetics (formerly Invitae), Labcorp).